The following is an entry in ClinVar:

NM_007078.3(LDB3):c.1386C>T (p.Thr462=)

Gene: LDB3 (LIM domain binding 3; plus strand). Cytogenetic location: 10q23.2.
Variant type: single nucleotide variant.
Coding change: c.1386C>T on transcript NM_007078.3 (MANE Select); coding-DNA position 1386, C replaced by T.
Protein change: p.Thr462=; no amino-acid change (threonine 462 retained).
Molecular consequence: synonymous variant.
Genome position (GRCh38, 1-based): chr10:86,716,481, C>T. VCF-style: chr10-86716481-C-T. GRCh37 (hg19) VCF-style: chr10-88476238-C-T.
Other names: c.1386C>T (LRG_385t1); c.1056C>T, p.Thr352= (NM_001080114.2); c.1401C>T, p.Thr467= (NM_001171610.2); c.1197C>T, p.Thr399= (NM_001368064.1, NM_001368065.1); c.1245C>T, p.Thr415= (NM_001368066.1).
Identifiers: ClinVar variation 378082 (VCV000378082.12), dbSNP rs764330273, ClinGen allele CA5585150.
Genomic context (GRCh38, chr10:86,716,481, plus strand): 5'-CCCTGCCTACACCCCCTCACCTGTCCCCACCTACACTCCATCCCCAGCACCAGCCTATAC[C>T]CCCTCACCTGCCCCCAACTATAACCCTGCACCCTCGGTGGCCTACAGCGGGGGCCCTGCG-3'
Protein context (NP_009009.1, residues 452-472): TYTPSPAPAY[Thr462=]PSPAPNYNPA

ClinVar aggregate classification (germline): Benign/Likely benign. Review status: criteria provided, multiple submitters, no conflicts (2 of 4 stars). 3 submissions from 3 submitters: Benign (2); Likely benign (1). Last evaluated 2025-09-02.

Conditions:
Cardiovascular phenotype. Identifiers: MedGen CN230736.
Myofibrillar myopathy 4. Also called: Zaspopathy (type). Identifiers: Orphanet 98912, MedGen C4721886, MONDO:0012277, OMIM 609452.

Allele frequency attached by ClinVar (database versions not stated): TOPMed 0.00002; gnomAD 0.00003; gnomAD exomes 0.00004 and 0.00009; ExAC 0.00008.
gnomAD v4.1: 25 of 1,610,002 alleles (0.0016%); highest among the groups gnomAD compares: Admixed American, 0.042%; no homozygotes.

Submissions (3):

Labcorp Genetics (formerly Invitae), Labcorp
Classification: Benign for Myofibrillar myopathy 4. Last evaluated: 2025-09-02. Review status: criteria provided, single submitter. Criteria: Invitae Variant Classification Sherloc (09022015). Collection method: clinical testing. Allele origin: germline.

Ambry Genetics
Classification: Likely benign for Cardiovascular phenotype. Last evaluated: 2022-10-14. Review status: criteria provided, single submitter. Criteria: Ambry Variant Classification Scheme 2023. Collection method: clinical testing. Allele origin: germline.

GeneDx
Classification: Benign. Last evaluated: 2015-08-06. Review status: criteria provided, single submitter. Criteria: GeneDx Variant Classification (06012015). Collection method: clinical testing. Allele origin: germline. Affected: yes.
Comment: This variant is considered likely benign or benign based on one or more of the following criteria: it is a conservative change, it occurs at a poorly conserved position in the protein, it is predicted to be benign by multiple in silico algorithms, and/or has population frequency not consistent with disease.